The following is an entry in ClinVar:

NM_001330700.2(TOP2B):c.4711-7_4711-6dup

Gene: TOP2B (DNA topoisomerase II beta; minus strand). Cytogenetic location: 3p24.2.
Variant type: Duplication.
Coding change: c.4711-7_4711-6dup on transcript NM_001330700.2 (MANE Select); 7 bases into the intron before coding-DNA position 4711 through 6 bases into the intron before coding-DNA position 4711, 2 bases duplicated (AA; older notation c.4711-7_4711-6dupAA).
Molecular consequence: intron variant.
Genome position (GRCh38, 1-based): chr3:25,598,483-25,598,484, TT duplicated on the plus strand (AA on the coding strand, the reverse complement: TOP2B is on the minus strand); duplicating any 2 consecutive bases within chr3:25,598,483-25,598,490 gives the same sequence; the c. name uses the placement nearest the transcript's 3' end. VCF-style (leftmost placement, unchanged base first): chr3-25598482-A-ATT. GRCh37 (hg19) VCF-style: chr3-25639973-A-ATT.
Other names: c.4696-7_4696-6dup (NM_001068.3).
Identifiers: ClinVar variation 1601164 (VCV001601164.33), dbSNP rs11372851, ClinGen allele CA2287991.

ClinVar aggregate classification (germline): Benign/Likely benign. Review status: criteria provided, multiple submitters, no conflicts (2 of 4 stars). 3 submissions from 3 submitters: Benign (2); Likely benign (1). Last evaluated 2025-09-14.

Submissions (3):

Labcorp Genetics (formerly Invitae), Labcorp
Classification: Benign. Last evaluated: 2025-09-14. Review status: criteria provided, single submitter. Criteria: Invitae Variant Classification Sherloc (09022015). Collection method: clinical testing. Allele origin: germline.

Blueprint Genetics
Classification: Likely benign. Last evaluated: 2023-07-19. Review status: criteria provided, single submitter. Criteria: ACMG Guidelines, 2015. Collection method: clinical testing. Allele origin: germline.

CeGaT Center for Human Genetics Tuebingen
Classification: Benign. Last evaluated: 2022-03-01. Review status: criteria provided, single submitter. Criteria: CeGaT Center For Human Genetics Tuebingen Variant Classification Criteria Version 2. Collection method: clinical testing. Allele origin: germline. Affected: yes. Observed: 1 variant allele.
Comment: TOP2B: BS1, BS2